The following is an entry in ClinVar:

ClinVar aggregate classification (germline): Uncertain significance (1 of 4 stars; one submission).

Allele frequency attached by ClinVar (database versions not stated): gnomAD 0.00007 and 0.00006; gnomAD exomes 0.00007 and 0.00012; ExAC 0.00012; TOPMed 0.00012.
gnomAD v4.1: 122 of 1,613,944 alleles (0.0076%); highest among the groups gnomAD compares: Admixed American, 0.02%; 1 homozygote.

Submissions (2):

Labcorp Genetics (formerly Invitae), Labcorp
Classification: Uncertain significance. Last evaluated: 2024-11-13. Review status: criteria provided, single submitter. Criteria: Invitae Variant Classification Sherloc (09022015). Collection method: clinical testing. Allele origin: germline.
Comment: This sequence change replaces tyrosine, which is neutral and polar, with cysteine, which is neutral and slightly polar, at codon 1770 of the FAT1 protein (p.Tyr1770Cys). This variant is present in population databases (rs780925038, gnomAD 0.05%). This variant has not been reported in the literature in individuals affected with FAT1-related conditions. ClinVar contains an entry for this variant (Variation ID: 1393386). An algorithm developed to predict the effect of missense changes on protein structure and function (PolyPhen-2) suggests that this variant is likely to be disruptive. In summary, the available evidence is currently insufficient to determine the role of this variant in disease. Therefore, it has been classified as a Variant of Uncertain Significance.

Dr. Peter K. Rogan Lab, Western University
No classification provided (evidence only). Condition: Malignant tumor of urinary bladder. Review status: no classification provided. Collection method: in vitro. Allele origin: not applicable. Functional consequence: retained intron. Not counted in ClinVar's aggregate classification.

NM_005245.4(FAT1):c.5309A>G (p.Tyr1770Cys)

Gene: FAT1 (FAT atypical cadherin 1; minus strand). Cytogenetic location: 4q35.2.
Variant type: single nucleotide variant.
Coding change: c.5309A>G on transcript NM_005245.4 (MANE Select); coding-DNA position 5309, A replaced by G.
Protein change: p.Tyr1770Cys; replaces tyrosine 1770 with cysteine.
Molecular consequence: missense variant.
Genome position (GRCh38, 1-based): chr4:186,621,277, T>C on the plus strand (A>G on the coding strand, the complement: FAT1 is on the minus strand). VCF-style: chr4-186621277-T-C. GRCh37 (hg19) VCF-style: chr4-187542431-T-C.
Other names: short protein forms Y1770C.
Identifiers: ClinVar variation 1393386 (VCV001393386.5), dbSNP rs780925038, ClinGen allele CA3166487.
Genomic context (GRCh38, chr4:186,621,277, plus strand): 5'-ACATTCCTGTCTGTTAGGACCACGCTGTTAATTGAGGCTGATTCACTAATGAGTCCTGTA[T>C]ATTCTGCCTGCATAAAAACTGGCGCGTTGTCATTCTCATCCTGCAAGTGAACTAGAACCG-3'
Protein context (NP_005236.2, residues 1760-1780): DNAPVFMQAE[Tyr1770Cys]TGLISESASI